The following is an entry in ClinVar:

NM_000051.4(ATM):c.4301A>G (p.Lys1434Arg)

Gene: ATM (ATM serine/threonine kinase; plus strand). Cytogenetic location: 11q22.3.
Variant type: single nucleotide variant.
Coding change: c.4301A>G on transcript NM_000051.4 (MANE Select); coding-DNA position 4301, A replaced by G.
Protein change: p.Lys1434Arg; replaces lysine 1434 with arginine.
Molecular consequence: missense variant.
Genome position (GRCh38, 1-based): chr11:108,289,666, A>G. VCF-style: chr11-108289666-A-G. GRCh37 (hg19) VCF-style: chr11-108160393-A-G.
Other names: c.4301A>G, p.Lys1434Arg (NM_001351834.2); short protein forms K1434R.
Identifiers: ClinVar variation 2095935 (VCV002095935.5), dbSNP rs2546909139, ClinGen allele CA382531580.

ClinVar aggregate classification (germline): Uncertain significance. Review status: criteria provided, multiple submitters, no conflicts (2 of 4 stars). 2 submissions from 2 submitters: Uncertain significance (2). Last evaluated 2023-08-29.

Conditions:
Familial cancer of breast. Also called: hereditary breast carcinoma; Hereditary breast cancer; BREAST CANCER, FAMILIAL. Identifiers: Orphanet 227535, MedGen C0346153, MONDO:0016419, OMIM 114480. Disease mechanism: loss of function.
Ataxia-telangiectasia syndrome (AT). Also called: Ataxia-telangiectasia, complementation group D; AT, COMPLEMENTATION GROUP C; ATAXIA-TELANGIECTASIA, COMPLEMENTATION GROUP A; ATAXIA-TELANGIECTASIA, FRESNO VARIANT; Ataxia telangiectasia (A-T); Ataxia-telangiectasia. Identifiers: Orphanet 100, MedGen C0004135, MONDO:0008840, OMIM 208900.

Submissions (2):

Baylor Genetics
Classification: Uncertain significance for Familial cancer of breast. Last evaluated: 2023-08-29. Review status: criteria provided, single submitter. Criteria: ACMG Guidelines, 2015. Collection method: clinical testing. Allele origin: unknown.

Labcorp Genetics (formerly Invitae), Labcorp
Classification: Uncertain significance for Ataxia-telangiectasia syndrome. Last evaluated: 2022-02-10. Review status: criteria provided, single submitter. Criteria: Invitae Variant Classification Sherloc (09022015). Collection method: clinical testing. Allele origin: germline.
Comment: This sequence change replaces lysine, which is basic and polar, with arginine, which is basic and polar, at codon 1434 of the ATM protein (p.Lys1434Arg). This variant is not present in population databases (gnomAD no frequency). This variant has not been reported in the literature in individuals affected with ATM-related conditions. Advanced modeling of protein sequence and biophysical properties (such as structural, functional, and spatial information, amino acid conservation, physicochemical variation, residue mobility, and thermodynamic stability) performed at Invitae indicates that this missense variant is not expected to disrupt ATM protein function. Algorithms developed to predict the effect of sequence changes on RNA splicing suggest that this variant may create or strengthen a splice site. In summary, the available evidence is currently insufficient to determine the role of this variant in disease. Therefore, it has been classified as a Variant of Uncertain Significance.